The following is an entry in ClinVar:

NM_020433.5(JPH2):c.1382G>A (p.Gly461Asp)

Gene: JPH2 (junctophilin 2; minus strand). Cytogenetic location: 20q13.12.
Variant type: single nucleotide variant.
Coding change: c.1382G>A on transcript NM_020433.5 (MANE Select); coding-DNA position 1382, G replaced by A.
Protein change: p.Gly461Asp; replaces glycine 461 with aspartic acid.
Molecular consequence: missense variant.
Genome position (GRCh38, 1-based): chr20:44,116,293, C>T on the plus strand (G>A on the coding strand, the complement: JPH2 is on the minus strand). VCF-style: chr20-44116293-C-T. GRCh37 (hg19) VCF-style: chr20-42744933-C-T.
Other names: short protein forms G461D.
Identifiers: ClinVar variation 1955119 (VCV001955119.6), dbSNP rs2145838846, ClinGen allele CA409100744.

ClinVar aggregate classification (germline): Uncertain significance. Review status: criteria provided, multiple submitters, no conflicts (2 of 4 stars). 2 submissions from 2 submitters: Uncertain significance (2). Last evaluated 2024-05-26.

Conditions:
Hypertrophic cardiomyopathy. Also called: HYPERTROPHIC MYOCARDIOPATHY. Identifiers: Orphanet 217569, MedGen C0007194, MeSH D002312, MONDO:0005045, HP:0001639.
Cardiovascular phenotype. Identifiers: MedGen CN230736.

gnomAD v4.1: 14 of 1,538,528 alleles (0.00091%); highest among the groups gnomAD compares: Non-Finnish European, 0.0012%; no homozygotes.

Submissions (2):

Ambry Genetics
Classification: Uncertain significance for Cardiovascular phenotype. Last evaluated: 2024-05-26. Review status: criteria provided, single submitter. Criteria: Ambry Variant Classification Scheme 2023. Collection method: clinical testing. Allele origin: germline.
Comment: The p.G461D variant (also known as c.1382G>A), located in coding exon 4 of the JPH2 gene, results from a G to A substitution at nucleotide position 1382. The glycine at codon 461 is replaced by aspartic acid, an amino acid with similar properties. This amino acid position is conserved. In addition, this alteration is predicted to be tolerated by in silico analysis. Based on the available evidence, the clinical significance of this variant remains unclear.

Labcorp Genetics (formerly Invitae), Labcorp
Classification: Uncertain significance for Hypertrophic cardiomyopathy. Last evaluated: 2022-07-29. Review status: criteria provided, single submitter. Criteria: Invitae Variant Classification Sherloc (09022015). Collection method: clinical testing. Allele origin: germline.
Comment: This variant has not been reported in the literature in individuals affected with JPH2-related conditions. In summary, the available evidence is currently insufficient to determine the role of this variant in disease. Therefore, it has been classified as a Variant of Uncertain Significance. Algorithms developed to predict the effect of missense changes on protein structure and function (SIFT, PolyPhen-2, Align-GVGD) all suggest that this variant is likely to be tolerated. This variant is not present in population databases (gnomAD no frequency). This sequence change replaces glycine, which is neutral and non-polar, with aspartic acid, which is acidic and polar, at codon 461 of the JPH2 protein (p.Gly461Asp).